The following is an entry in ClinVar:

NM_003239.5(TGFB3):c.1066A>G (p.Thr356Ala)

Gene: TGFB3 (transforming growth factor beta 3; minus strand). Cytogenetic location: 14q24.3.
Variant type: single nucleotide variant.
Coding change: c.1066A>G on transcript NM_003239.5 (MANE Select); coding-DNA position 1066, A replaced by G.
Protein change: p.Thr356Ala; replaces threonine 356 with alanine.
Molecular consequence: missense variant.
Genome position (GRCh38, 1-based): chr14:75,960,937, T>C on the plus strand (A>G on the coding strand, the complement: TGFB3 is on the minus strand). VCF-style: chr14-75960937-T-C. GRCh37 (hg19) VCF-style: chr14-76427280-T-C.
Other names: c.1066A>G, p.Thr356Ala (NM_001329939.2); short protein forms T356A.
Identifiers: ClinVar variation 1306156 (VCV001306156.3), dbSNP rs1167674615, ClinGen allele CA390467604.

ClinVar aggregate classification (germline): Uncertain significance. Review status: criteria provided, multiple submitters, no conflicts (2 of 4 stars). 2 submissions from 2 submitters: Uncertain significance (2). Last evaluated 2023-06-28.

Allele frequency attached by ClinVar (database versions not stated): gnomAD exomes below 0.00001 and 0.00001; TOPMed below 0.00001; gnomAD 0.00001.
gnomAD v4.1: 9 of 1,614,086 alleles (0.00056%); highest among the groups gnomAD compares: South Asian, 0.0088%; no homozygotes.

Submissions (2):

Blueprint Genetics
Classification: Uncertain significance. Last evaluated: 2023-06-28. Review status: criteria provided, single submitter. Criteria: ACMG Guidelines, 2015. Collection method: clinical testing. Allele origin: germline.

GeneDx
Classification: Uncertain significance. Last evaluated: 2019-05-23. Review status: criteria provided, single submitter. Criteria: GeneDx Variant Classification Process June 2021. Collection method: clinical testing. Allele origin: germline. Affected: yes.
Comment: Has not been previously published as pathogenic or benign to our knowledge; Not observed at a significant frequency in large population cohorts (Lek et al., 2016); In silico analysis, which includes protein predictors and evolutionary conservation, supports a deleterious effect